The following is an entry in ClinVar:

ClinVar aggregate classification (germline): Likely benign (1 of 4 stars; one submission).

gnomAD v4.1: 27 of 1,607,910 alleles (0.0017%); highest among the groups gnomAD compares: African/African-American, 0.021%; no homozygotes.

Submission:

Mayo Clinic Laboratories, Mayo Clinic
Classification: Likely benign. Last evaluated: 2025-07-17. Review status: criteria provided, single submitter. Criteria: ACMG Guidelines, 2015. Collection method: clinical testing. Allele origin: germline. Observed: 1 variant allele.
Comment: BP4, BP7

NM_000934.4(SERPINF2):c.1413C>T (p.Gly471=)

Gene: SERPINF2 (serpin family F member 2; plus strand). Cytogenetic location: 17p13.3.
Variant type: single nucleotide variant.
Coding change: c.1413C>T on transcript NM_000934.4 (MANE Select); coding-DNA position 1413, C replaced by T.
Protein change: p.Gly471=; no amino-acid change (glycine 471 retained).
Molecular consequence: synonymous variant.
Genome position (GRCh38, 1-based): chr17:1,754,471, C>T. VCF-style: chr17-1754471-C-T. GRCh37 (hg19) VCF-style: chr17-1657765-C-T.
Other names: p.Gly471=; c.1413C>T, p.Gly471= (NM_001165920.1); c.1221C>T, p.Gly407= (NM_001165921.2).
Identifiers: ClinVar variation 4684176 (VCV004684176.1).
Genomic context (GRCh38, chr17:1,754,471, plus strand): 5'-GGGCAACAAGGACTTCCTCCAGAGCCTGAAAGGCTTCCCCCGCGGAGACAAGCTTTTCGG[C>T]CCTGACTTAAAACTTGTGCCCCCCATGGAGGAGGATTACCCCCAGTTTGGCAGCCCCAAG-3'
Protein context (NP_000925.2, residues 461-481): KGFPRGDKLF[Gly471=]PDLKLVPPME